The following is an entry in ClinVar:

ClinVar aggregate classification (germline): Likely benign (1 of 4 stars; one submission).

gnomAD v4.1: 254 of 1,613,730 alleles (0.016%); highest among the groups gnomAD compares: Non-Finnish European, 0.02%; no homozygotes.

Submission:

CeGaT Center for Human Genetics Tuebingen
Classification: Likely benign. Last evaluated: 2024-08-01. Review status: criteria provided, single submitter. Criteria: CeGaT Center For Human Genetics Tuebingen Variant Classification Criteria Version 2. Collection method: clinical testing. Allele origin: germline. Affected: yes. Observed: 1 variant allele.
Comment: MMP1: BP4, BP7

NM_002421.4(MMP1):c.534A>G (p.Gly178=)

Gene: MMP1 (matrix metallopeptidase 1; minus strand). Cytogenetic location: 11q22.2.
Variant type: single nucleotide variant.
Coding change: c.534A>G on transcript NM_002421.4 (MANE Select); coding-DNA position 534, A replaced by G.
Protein change: p.Gly178=; no amino-acid change (glycine 178 retained).
Molecular consequence: synonymous variant.
Genome position (GRCh38, 1-based): chr11:102,796,755, T>C on the plus strand (A>G on the coding strand, the complement: MMP1 is on the minus strand). VCF-style: chr11-102796755-T-C. GRCh37 (hg19) VCF-style: chr11-102667486-T-C.
Other names: c.336A>G, p.Gly112= (NM_001145938.2).
Identifiers: ClinVar variation 3341795 (VCV003341795.16).